The following is an entry in ClinVar:

ClinVar aggregate classification (germline): Likely pathogenic (1 of 4 stars; one submission).

Conditions:
Spermatogenic failure 65 (SPGF65). Identifiers: MedGen C5562067, MONDO:0030531, OMIM 619712.

Submission:

Juno Genomics, Hangzhou Juno Genomics, Inc
Classification: Likely pathogenic for Spermatogenic failure 65. Review status: criteria provided, single submitter. Criteria: ACMG Guidelines, 2015. Collection method: clinical testing. Allele origin: germline.
Comment: Null variant in a gene where loss of function (LOF) is a known mechanism of disease.;Absent from controls (or at extremely low frequency if recessive) in Genome Aggregation Database.

NM_144666.3(DNHD1):c.7042dup (p.Gln2348fs)

Gene: DNHD1 (dynein heavy chain domain 1; plus strand). Cytogenetic location: 11p15.4.
Variant type: Duplication.
Coding change: c.7042dup on transcript NM_144666.3 (MANE Select); coding-DNA position 7042, one base duplicated (C; older notation c.7042dupC).
Protein change: p.Gln2348fs; shifts the reading frame from glutamine 2348.
Molecular consequence: frameshift variant.
Genome position (GRCh38, 1-based): chr11:6,548,346, C duplicated; the last of 2 consecutive C bases (chr11:6,548,345-6,548,346); duplicating either gives the same sequence. VCF-style (leftmost placement, unchanged base first): chr11-6548344-G-GC. GRCh37 (hg19) VCF-style: chr11-6569574-G-GC.
Other names: short protein forms Q2348fs.
Identifiers: ClinVar variation 5007900 (VCV005007900.2).